The following is an entry in ClinVar:

ClinVar aggregate classification (germline): Uncertain significance (1 of 4 stars; one submission).

gnomAD v4.1: 5 of 1,501,710 alleles (0.00033%); highest among the groups gnomAD compares: South Asian, 0.0013%; no homozygotes.

Submission:

GeneDx
Classification: Uncertain significance. Last evaluated: 2024-05-09. Review status: criteria provided, single submitter. Criteria: GeneDx Variant Classification Process June 2021. Collection method: clinical testing. Allele origin: germline. Affected: yes.
Comment: Not observed at significant frequency in large population cohorts (gnomAD); In silico analysis indicates that this missense variant does not alter protein structure/function; Has not been previously published as pathogenic or benign to our knowledge

NM_016417.3(GLRX5):c.109G>A (p.Gly37Ser)

Gene: GLRX5 (glutaredoxin 5; plus strand). Cytogenetic location: 14q32.13.
Variant type: single nucleotide variant.
Coding change: c.109G>A on transcript NM_016417.3 (MANE Select); coding-DNA position 109, G replaced by A.
Protein change: p.Gly37Ser; replaces glycine 37 with serine.
Molecular consequence: missense variant.
Genome position (GRCh38, 1-based): chr14:95,535,198, G>A. VCF-style: chr14-95535198-G-A. GRCh37 (hg19) VCF-style: chr14-96001535-G-A.
Other names: short protein forms G37S.
Identifiers: ClinVar variation 3375615 (VCV003375615.1).